The following is an entry in ClinVar:

ClinVar aggregate classification (germline): Uncertain significance (1 of 4 stars; one submission).

Conditions:
Aortic valve disease 2 (AOVD2). Identifiers: MedGen C3542024, MONDO:0013902, OMIM 614823.

Submission:

Labcorp Genetics (formerly Invitae), Labcorp
Classification: Uncertain significance for Aortic valve disease 2. Last evaluated: 2022-09-03. Review status: criteria provided, single submitter. Criteria: Invitae Variant Classification Sherloc (09022015). Collection method: clinical testing. Allele origin: germline.
Comment: This variant has not been reported in the literature in individuals affected with SMAD6-related conditions. In summary, the available evidence is currently insufficient to determine the role of this variant in disease. Therefore, it has been classified as a Variant of Uncertain Significance. Experimental studies and prediction algorithms are not available or were not evaluated, and the functional significance of this variant is currently unknown. This variant is not present in population databases (gnomAD no frequency). This sequence change results in a frameshift in the SMAD6 gene (p.Asp460Thrfs*79). While this is not anticipated to result in nonsense mediated decay, it is expected to disrupt the last 37 amino acid(s) of the SMAD6 protein and extend the protein by 41 additional amino acid residues.

NM_005585.5(SMAD6):c.1378del (p.Asp460fs)

Gene: SMAD6 (SMAD family member 6; plus strand). Cytogenetic location: 15q22.31.
Variant type: Deletion.
Coding change: c.1378del on transcript NM_005585.5 (MANE Select); coding-DNA position 1378, one base deleted (G; older notation c.1378delG).
Protein change: p.Asp460fs; shifts the reading frame from aspartic acid 460.
Molecular consequence: frameshift variant. On other transcripts: non-coding transcript variant (1).
Genome position (GRCh38, 1-based): chr15:66,781,422, G deleted. VCF-style (leftmost placement, unchanged base first): chr15-66781421-CG-C. GRCh37 (hg19) VCF-style: chr15-67073759-CG-C.
Other names: short protein forms D460fs.
Identifiers: ClinVar variation 2028867 (VCV002028867.4), dbSNP rs2541899559, ClinGen allele CA2580089894.